The following is an entry in ClinVar:

ClinVar aggregate classification (germline): Benign. Review status: criteria provided, multiple submitters, no conflicts (2 of 4 stars). 6 submissions from 6 submitters: Benign (6). Last evaluated 2026-02-04.

Conditions:
Ehlers-Danlos syndrome (EDS). Identifiers: Orphanet 98249, MedGen C0013720, MONDO:0020066.
Cardiovascular phenotype. Identifiers: MedGen CN230736.

Allele frequency attached by ClinVar (database versions not stated): gnomAD exomes 0.00329 and 0.00524; ExAC 0.00530; ESP Exome Variant Server 0.01589; 1000 Genomes Project 0.01717; gnomAD 0.01719; TOPMed 0.01958; 1000 Genomes Project 30x 0.02061.
gnomAD v4.1: 7,394 of 1,612,814 alleles (0.46%); highest among the groups gnomAD compares: African/African-American, 4.6%; 97 homozygotes.

Submissions (6):

Labcorp Genetics (formerly Invitae), Labcorp
Classification: Benign. Last evaluated: 2026-02-04. Review status: criteria provided, single submitter. Criteria: Invitae Variant Classification Sherloc (09022015). Collection method: clinical testing. Allele origin: germline.

Women's Health and Genetics/Laboratory Corporation of America, LabCorp
Classification: Benign. Last evaluated: 2026-01-22. Review status: criteria provided, single submitter. Criteria: LabCorp Variant Classification Summary - May 2015. Collection method: clinical testing. Allele origin: germline.

Mayo Clinic Laboratories, Mayo Clinic
Classification: Benign. Last evaluated: 2023-09-21. Review status: criteria provided, single submitter. Criteria: ACMG Guidelines, 2015. Collection method: clinical testing. Allele origin: germline. Observed: 18 variant alleles.
Comment: BS1, BS2, BP4, BP7

Genome Diagnostics Laboratory, The Hospital for Sick Children
Classification: Benign for Ehlers-Danlos syndrome. Last evaluated: 2022-01-24. Review status: criteria provided, single submitter. Criteria: ACMG Guidelines, 2015. Collection method: clinical testing. Allele origin: germline.

GeneDx
Classification: Benign. Last evaluated: 2019-08-06. Review status: criteria provided, single submitter. Criteria: GeneDx Variant Classification Process June 2021. Collection method: clinical testing. Allele origin: germline. Affected: yes.

Ambry Genetics
Classification: Benign for Cardiovascular phenotype. Last evaluated: 2019-01-31. Review status: criteria provided, single submitter. Criteria: Ambry Variant Classification Scheme 2023. Collection method: clinical testing. Allele origin: germline.

NM_001365276.2(TNXB):c.5823C>T (p.Ser1941=)

Gene: TNXB (tenascin XB; minus strand). Cytogenetic location: 6p21.33.
Variant type: single nucleotide variant.
Coding change: c.5823C>T on transcript NM_001365276.2 (MANE Select); coding-DNA position 5823, C replaced by T.
Protein change: p.Ser1941=; no amino-acid change (serine 1941 retained).
Molecular consequence: synonymous variant.
Genome position (GRCh38, 1-based): chr6:32,068,901, G>A on the plus strand (C>T on the coding strand, the complement: TNXB is on the minus strand). VCF-style: chr6-32068901-G-A. GRCh37 (hg19) VCF-style: chr6-32036678-G-A.
Other names: p.Ser1941=; c.5823C>T, p.Ser1941= (NM_019105.8).
Identifiers: ClinVar variation 1227013 (VCV001227013.11), dbSNP rs116094055, ClinGen allele CA3734598.